The following is an entry in ClinVar:

NM_001031725.6(DDX59):c.753A>G (p.Ser251=)

Gene: DDX59 (DEAD-box helicase 59; minus strand). Cytogenetic location: 1q32.1.
Variant type: single nucleotide variant.
Coding change: c.753A>G on transcript NM_001031725.6 (MANE Select); coding-DNA position 753, A replaced by G.
Protein change: p.Ser251=; no amino-acid change (serine 251 retained).
Molecular consequence: synonymous variant.
Genome position (GRCh38, 1-based): chr1:200,665,988, T>C on the plus strand (A>G on the coding strand, the complement: DDX59 is on the minus strand). VCF-style: chr1-200665988-T-C. GRCh37 (hg19) VCF-style: chr1-200635116-T-C.
Other names: c.753A>G, p.Ser251= (NM_001320181.2, NM_001320182.1, NM_001349799.3 and 5 more transcripts).
Identifiers: ClinVar variation 715869 (VCV000715869.5), dbSNP rs1367770088, ClinGen allele CA422687201.

ClinVar aggregate classification (germline): Likely benign. Review status: criteria provided, single submitter (1 of 4 stars). 2 submissions from 2 submitters: Likely benign (1). 1 of the submissions does not count toward it. Last evaluated 2018-04-13.

Conditions:
DDX59-related disorder. Also called: DDX59-related condition.

Allele frequency attached by ClinVar (database versions not stated): gnomAD 0.00001; gnomAD exomes 0.00001 and 0.00002; TOPMed 0.00002.
gnomAD v4.1: 10 of 1,612,498 alleles (0.00062%); highest among the groups gnomAD compares: Admixed American, 0.01%; no homozygotes.

Submissions (2):

Labcorp Genetics (formerly Invitae), Labcorp
Classification: Likely benign. Last evaluated: 2018-04-13. Review status: criteria provided, single submitter. Criteria: Invitae Variant Classification Sherloc (09022015). Collection method: clinical testing. Allele origin: germline.

PreventionGenetics, part of Exact Sciences
Classification: Likely benign for DDX59-related condition. Last evaluated: 2019-08-13. Review status: no assertion criteria provided. Collection method: clinical testing. Allele origin: germline. Not counted in ClinVar's aggregate classification.
Comment: This variant is classified as likely benign based on ACMG/AMP sequence variant interpretation guidelines (Richards et al. 2015 PMID: 25741868, with internal and published modifications).